The following is an entry in ClinVar:

NM_000036.3(AMPD1):c.1224+6G>T

Gene: AMPD1 (adenosine monophosphate deaminase 1; minus strand). Cytogenetic location: 1p13.2.
Variant type: single nucleotide variant.
Coding change: c.1224+6G>T on transcript NM_000036.3 (MANE Select); 6 bases into the intron after coding-DNA position 1224, G replaced by T.
Molecular consequence: intron variant.
Genome position (GRCh38, 1-based): chr1:114,677,904, C>A on the plus strand (G>T on the coding strand, the complement: AMPD1 is on the minus strand). VCF-style: chr1-114677904-C-A. GRCh37 (hg19) VCF-style: chr1-115220525-C-A.
Other names: c.1212+6G>T (NM_001172626.2).
Identifiers: ClinVar variation 1985960 (VCV001985960.4), dbSNP rs1015693996, ClinGen allele CA29055238.

ClinVar aggregate classification (germline): Uncertain significance (1 of 4 stars; one submission).

Conditions:
Muscle AMP deaminase deficiency (MMDD). Also called: AMPD1 DEFICIENCY; Myoadenylate deaminase deficiency, myopathy due to; Adenosine monophosphate deaminase 1 deficiency; AMP deaminase 1 deficiency; Adenosine Monophosphate Deaminase 1; ADENOSINE MONOPHOSPHATE DEAMINASE-1 DEFICIENCY, MYOPATHY DUE TO. Identifiers: Orphanet 45, MedGen C3714933, MONDO:0014220, OMIM 615511.

Allele frequency attached by ClinVar (database versions not stated): TOPMed 0.00001.
gnomAD v4.1: 17 of 1,611,720 alleles (0.0011%); highest among the groups gnomAD compares: Non-Finnish European, 0.0014%; no homozygotes.

Submission:

Labcorp Genetics (formerly Invitae), Labcorp
Classification: Uncertain significance for Muscle AMP deaminase deficiency. Last evaluated: 2022-11-08. Review status: criteria provided, single submitter. Criteria: Invitae Variant Classification Sherloc (09022015). Collection method: clinical testing. Allele origin: germline.
Comment: This variant has not been reported in the literature in individuals affected with AMPD1-related conditions. This variant is present in population databases (no rsID available, gnomAD 0.0009%). This sequence change falls in intron 9 of the AMPD1 gene. It does not directly change the encoded amino acid sequence of the AMPD1 protein. It affects a nucleotide within the consensus splice site. Variants that disrupt the consensus splice site are a relatively common cause of aberrant splicing (PMID: 17576681, 9536098). Algorithms developed to predict the effect of sequence changes on RNA splicing suggest that this variant is not likely to affect RNA splicing. In summary, the available evidence is currently insufficient to determine the role of this variant in disease. Therefore, it has been classified as a Variant of Uncertain Significance.

Literature cited by the submitters: PubMed 17576681; PubMed 9536098.